The following is an entry in ClinVar:

NM_001458.5(FLNC):c.5375C>G (p.Ala1792Gly)

Genes: FLNC-AS1 (FLNC antisense RNA 1; minus strand), FLNC (filamin C; plus strand). Cytogenetic location: 7q32.1.
Variant type: single nucleotide variant.
Coding change: c.5375C>G on transcript NM_001458.5 (MANE Select); coding-DNA position 5375, C replaced by G.
Protein change: p.Ala1792Gly; replaces alanine 1792 with glycine.
Molecular consequence: missense variant.
Genome position (GRCh38, 1-based): chr7:128,850,460, C>G. VCF-style: chr7-128850460-C-G. GRCh37 (hg19) VCF-style: chr7-128490514-C-G.
Other names: c.5276C>G, p.Ala1759Gly (NM_001127487.2); short protein forms A1759G, A1792G.
Identifiers: ClinVar variation 3753344 (VCV003753344.2).

ClinVar aggregate classification (germline): Uncertain significance (1 of 4 stars; one submission).

Conditions:
Myofibrillar myopathy 5. Also called: Filaminopathy (type); FILAMINOPATHY, AUTOSOMAL DOMINANT. Identifiers: Orphanet 171445, MedGen C1836050, MONDO:0012289, OMIM 609524.
Distal myopathy with posterior leg and anterior hand involvement. Also called: WILLIAMS DISTAL MYOPATHY. Identifiers: Orphanet 63273, MedGen C3279722, MONDO:0013550, OMIM 614065.
Hypertrophic cardiomyopathy 26. Also called: Cardiomyopathy, familial hypertrophic, 26. Identifiers: Orphanet 75249, MedGen C4310749, MONDO:0014883, OMIM 617047.

Submission:

Labcorp Genetics (formerly Invitae), Labcorp
Classification: Uncertain significance for Distal myopathy with posterior leg and anterior hand involvement; Myofibrillar myopathy 5; Hypertrophic cardiomyopathy 26. Last evaluated: 2024-02-17. Review status: criteria provided, single submitter. Criteria: Invitae Variant Classification Sherloc (09022015). Collection method: clinical testing. Allele origin: germline.
Comment: This sequence change replaces alanine, which is neutral and non-polar, with glycine, which is neutral and non-polar, at codon 1792 of the FLNC protein (p.Ala1792Gly). This variant is not present in population databases (gnomAD no frequency). This variant has not been reported in the literature in individuals affected with FLNC-related conditions. Advanced modeling of protein sequence and biophysical properties (such as structural, functional, and spatial information, amino acid conservation, physicochemical variation, residue mobility, and thermodynamic stability) has been performed at Invitae for this missense variant, however the output from this modeling did not meet the statistical confidence thresholds required to predict the impact of this variant on FLNC protein function. In summary, the available evidence is currently insufficient to determine the role of this variant in disease. Therefore, it has been classified as a Variant of Uncertain Significance.